The following is an entry in ClinVar:

NM_014283.5(SUCO):c.438G>A (p.Lys146=)

Gene: SUCO (SUN domain containing ossification factor; plus strand). Cytogenetic location: 1q24.3.
Variant type: single nucleotide variant.
Coding change: c.438G>A on transcript NM_014283.5 (MANE Select); coding-DNA position 438, G replaced by A.
Protein change: p.Lys146=; no amino-acid change (lysine 146 retained).
Molecular consequence: synonymous variant. On other transcripts: 5 prime UTR variant (1).
Genome position (GRCh38, 1-based): chr1:172,556,018, G>A. VCF-style: chr1-172556018-G-A. GRCh37 (hg19) VCF-style: chr1-172525158-G-A.
Other names: c.327G>A, p.Lys109= (NM_001282750.2); c.-1092G>A (NM_001282751.2); c.912G>A, p.Lys304= (NM_016227.4); c.912G>A (NM_016227.3).
Identifiers: ClinVar variation 1585342 (VCV001585342.33), dbSNP rs114570278, ClinGen allele CA1246549.
Genomic context (GRCh38, chr1:172,556,018, plus strand): 5'-CAGTGAAACTGTTGAAAATATTTCCAGCTCATCTACCTCAGAAATCACTCCAATCTCAAA[G>A]CTTGAGTAAGTTGTTACAAAAAACAAACACAAAAAAGAATCTCCTTAGTTAGTGATAGAA-3'
Protein context (NP_055098.1, residues 136-156): SSTSEITPIS[Lys146=]LDEIEKSGTI

ClinVar aggregate classification (germline): Benign/Likely benign. Review status: criteria provided, multiple submitters, no conflicts (2 of 4 stars). 3 submissions from 3 submitters: Benign (1); Likely benign (1). 1 of the submissions does not count toward it. Last evaluated 2026-01-22.

Conditions:
SUCO-related disorder. Also called: SUCO-related condition.

Allele frequency attached by ClinVar (database versions not stated): 1000 Genomes Project 30x 0.00250; 1000 Genomes Project 0.00260; ExAC 0.00327; gnomAD exomes 0.00335 and 0.00508; ESP Exome Variant Server 0.00369.
gnomAD v4.1: 7,866 of 1,607,624 alleles (0.49%); highest among the groups gnomAD compares: Non-Finnish European, 0.6%; 33 homozygotes.

Submissions (3):

Labcorp Genetics (formerly Invitae), Labcorp
Classification: Benign. Last evaluated: 2026-01-22. Review status: criteria provided, single submitter. Criteria: Invitae Variant Classification Sherloc (09022015). Collection method: clinical testing. Allele origin: germline.

CeGaT Center for Human Genetics Tuebingen
Classification: Likely benign. Last evaluated: 2022-10-01. Review status: criteria provided, single submitter. Criteria: CeGaT Center For Human Genetics Tuebingen Variant Classification Criteria Version 2. Collection method: clinical testing. Allele origin: germline. Affected: yes. Observed: 1 variant allele.
Comment: SUCO: BP4, BP7

PreventionGenetics, part of Exact Sciences
Classification: Likely benign for SUCO-related condition. Last evaluated: 2019-11-05. Review status: no assertion criteria provided. Collection method: clinical testing. Allele origin: germline. Not counted in ClinVar's aggregate classification.
Comment: This variant is classified as likely benign based on ACMG/AMP sequence variant interpretation guidelines (Richards et al. 2015 PMID: 25741868, with internal and published modifications).